The following is an entry in ClinVar:

ClinVar aggregate classification (germline): Uncertain significance. Review status: criteria provided, multiple submitters, no conflicts (2 of 4 stars). 2 submissions from 2 submitters: Uncertain significance (2). Last evaluated 2024-09-26.

Conditions:
Inborn genetic diseases. Identifiers: MedGen C0950123, MeSH D030342.

Allele frequency attached by ClinVar (database versions not stated): TOPMed 0.00008; gnomAD 0.00009 and 0.00011; gnomAD exomes 0.00011 and 0.00017; ExAC 0.00012; ESP Exome Variant Server 0.00031; 1000 Genomes Project 0.00040; 1000 Genomes Project 30x 0.00047.

Submissions (2):

Labcorp Genetics (formerly Invitae), Labcorp
Classification: Uncertain significance. Last evaluated: 2024-09-26. Review status: criteria provided, single submitter. Criteria: Invitae Variant Classification Sherloc (09022015). Collection method: clinical testing. Allele origin: germline.
Comment: This sequence change replaces arginine, which is basic and polar, with glutamine, which is neutral and polar, at codon 463 of the HPS6 protein (p.Arg463Gln). This variant is present in population databases (rs141011469, gnomAD 0.02%). This variant has not been reported in the literature in individuals affected with HPS6-related conditions. ClinVar contains an entry for this variant (Variation ID: 1446105). Invitae Evidence Modeling of protein sequence and biophysical properties (such as structural, functional, and spatial information, amino acid conservation, physicochemical variation, residue mobility, and thermodynamic stability) indicates that this missense variant is not expected to disrupt HPS6 protein function with a negative predictive value of 80%. In summary, the available evidence is currently insufficient to determine the role of this variant in disease. Therefore, it has been classified as a Variant of Uncertain Significance.

Ambry Genetics
Classification: Uncertain significance for Inborn genetic diseases. Last evaluated: 2024-08-26. Review status: criteria provided, single submitter. Criteria: Ambry Variant Classification Scheme 2023. Collection method: clinical testing. Allele origin: germline.

NM_024747.6(HPS6):c.1388G>A (p.Arg463Gln)

Gene: HPS6 (HPS6 biogenesis of lysosomal organelles complex 2 subunit 3; plus strand). Cytogenetic location: 10q24.32.
Variant type: single nucleotide variant.
Coding change: c.1388G>A on transcript NM_024747.6 (MANE Select); coding-DNA position 1388, G replaced by A.
Protein change: p.Arg463Gln; replaces arginine 463 with glutamine.
Molecular consequence: missense variant.
Genome position (GRCh38, 1-based): chr10:102,066,862, G>A. VCF-style: chr10-102066862-G-A. GRCh37 (hg19) VCF-style: chr10-103826619-G-A.
Other names: c.1388G>A (NM_024747.5); short protein forms R463Q.
Identifiers: ClinVar variation 1446105 (VCV001446105.8), dbSNP rs141011469, ClinGen allele CA5659976.
Genomic context (GRCh38, chr10:102,066,862, plus strand): 5'-AGGGCCACCTGCCCCCATCTGCACTGCTGACCATGTTGAGGACCGAGCTTCGGGATTACC[G>A]AGGCTTAGAACAGCTGAAGGCCCAGCTGGTGGCTGGGGATGATGAGGAGGCTGGTTGGAC-3'
Protein context (NP_079023.2, residues 453-473): TMLRTELRDY[Arg463Gln]GLEQLKAQLV